The following is an entry in ClinVar:

NM_001379500.1(COL18A1):c.2102dup (p.Leu702fs)

Gene: COL18A1 (collagen type XVIII alpha 1 chain; plus strand). Cytogenetic location: 21q22.3.
Variant type: Duplication.
Coding change: c.2102dup on transcript NM_001379500.1 (MANE Select); coding-DNA position 2102, one base duplicated (G; older notation c.2102dupG).
Protein change: p.Leu702fs; shifts the reading frame from leucine 702.
Molecular consequence: frameshift variant.
Genome position (GRCh38, 1-based): chr21:45,491,259, G duplicated; the last of 3 consecutive G bases (chr21:45,491,257-45,491,259); duplicating any one gives the same sequence. VCF-style (leftmost placement, unchanged base first): chr21-45491256-C-CG. GRCh37 (hg19) VCF-style: chr21-46911170-C-CG.
Other names: c.2642dup, p.Leu882fs (NM_030582.4); c.3347dup, p.Leu1117fs (NM_130444.3); short protein forms L1117fs, L702fs, L882fs.
Identifiers: ClinVar variation 1356160 (VCV001356160.6), dbSNP rs2145984908, ClinGen allele CA2573157589.

ClinVar aggregate classification (germline): Pathogenic (1 of 4 stars; one submission).

Submission:

Labcorp Genetics (formerly Invitae), Labcorp
Classification: Pathogenic. Last evaluated: 2021-06-17. Review status: criteria provided, single submitter. Criteria: Invitae Variant Classification Sherloc (09022015). Collection method: clinical testing. Allele origin: germline.
Comment: This sequence change creates a premature translational stop signal (p.Leu702Profs*28) in the COL18A1 gene. It is expected to result in an absent or disrupted protein product. Loss-of-function variants in COL18A1 are known to be pathogenic (PMID: 12415512, 25456301). This variant is not present in population databases (ExAC no frequency). This variant has not been reported in the literature in individuals affected with COL18A1-related conditions. For these reasons, this variant has been classified as Pathogenic.

Literature cited by the submitters: PubMed 12415512; PubMed 25456301.